The following is an entry in ClinVar:

ClinVar aggregate classification (germline): Likely benign. Review status: criteria provided, multiple submitters, no conflicts (2 of 4 stars). 3 submissions from 3 submitters: Likely benign (3). Last evaluated 2023-07-22.

Conditions:
Tuberous sclerosis syndrome (TSC). Also called: Tuberous Sclerosis Complex; Tuberous sclerosis. Identifiers: Orphanet 805, MedGen C0041341, MONDO:0001734.
Hereditary cancer-predisposing syndrome. Also called: Tumor predisposition; Hereditary Cancer Syndrome; Neoplastic Syndromes, Hereditary; Hereditary neoplastic syndrome. Identifiers: Orphanet 140162, MedGen C0027672, MeSH D009386, MONDO:0015356.
Tuberous sclerosis 1 (TSC1). Identifiers: Orphanet 805, MedGen C1854465, MONDO:0008612, OMIM 191100.

Submissions (3):

All of Us Research Program, National Institutes of Health
Classification: Likely benign for Tuberous sclerosis syndrome. Last evaluated: 2023-07-22. Review status: criteria provided, single submitter. Criteria: ACMG Guidelines, 2015. Collection method: clinical testing. Allele origin: germline. Inheritance: Autosomal dominant inheritance. Observed: 1 variant allele, 1 heterozygote.
Comment: This study involves interpretation of variants in research participants for the purpose of population health screening. Participant phenotype was not available at the time of variant classification. Additional details can be found in publication PMID: 35346344, PMCID: PMC8962531

Ambry Genetics
Classification: Likely benign for Hereditary cancer-predisposing syndrome. Last evaluated: 2023-02-09. Review status: criteria provided, single submitter. Criteria: Ambry Variant Classification Scheme 2023. Collection method: clinical testing. Allele origin: germline.

Labcorp Genetics (formerly Invitae), Labcorp
Classification: Likely benign for Tuberous sclerosis 1. Last evaluated: 2022-09-07. Review status: criteria provided, single submitter. Criteria: Invitae Variant Classification Sherloc (09022015). Collection method: clinical testing. Allele origin: germline.

NM_000368.5(TSC1):c.1482A>G (p.Ala494=)

Gene: TSC1 (TSC complex subunit 1; minus strand). Cytogenetic location: 9q34.13.
Variant type: single nucleotide variant.
Coding change: c.1482A>G on transcript NM_000368.5 (MANE Select); coding-DNA position 1482, A replaced by G.
Protein change: p.Ala494=; no amino-acid change (alanine 494 retained).
Molecular consequence: synonymous variant. On other transcripts: non-coding transcript variant (5).
Genome position (GRCh38, 1-based): chr9:132,906,096, T>C on the plus strand (A>G on the coding strand, the complement: TSC1 is on the minus strand). VCF-style: chr9-132906096-T-C. GRCh37 (hg19) VCF-style: chr9-135781483-T-C.
Other names: c.1479A>G, p.Ala493= (NM_001162426.2, NM_001406597.1, NM_001406598.1 and 6 more transcripts); c.1329A>G, p.Ala443= (NM_001162427.2, NM_001406610.1); c.1119A>G, p.Ala373= (NM_001362177.2, NM_001406614.1, NM_001406615.1 and 5 more transcripts); c.1482A>G, p.Ala494= (NM_001406592.1, NM_001406593.1, NM_001406594.1 and 7 more transcripts); c.1326A>G, p.Ala442= (NM_001406611.1, NM_001406612.1, NM_001406613.1); c.1116A>G, p.Ala372= (NM_001406620.1, NM_001406621.1, NM_001406622.1 and 2 more transcripts); c.531A>G, p.Ala177= (NM_001406626.1); c.528A>G, p.Ala176= (NM_001406627.1, NM_001406628.1); and 1 more.
Identifiers: ClinVar variation 2122063 (VCV002122063.7), dbSNP rs2131848062, ClinGen allele CA467591198.
Genomic context (GRCh38, chr9:132,906,096, plus strand): 5'-ACCTGGGAGACTGTCTCGGTAAAAGGGAGAGTCAAAGCCTCCTCGAGGAACCACAGGCTC[T>C]GCCTCTGCTGTGGTGATCTCAGAAAGTTCTCTAGATATTGCAGCTGAGAGGAAGAGAGGA-3'
Protein context (NP_000359.1, residues 484-504): RELSEITTAE[Ala494=]EPVVPRGGFD